The following is an entry in ClinVar:

ClinVar aggregate classification (germline): Uncertain significance (1 of 4 stars; one submission).

Conditions:
Neurodevelopmental disorder with hypotonia, brain anomalies, distinctive facies, and absent language. Also called: RNU4-2-Related Neurodevelopmental Disorder; RNU4-2–Related Autosomal Dominant Neurodevelopmental Disorder; ReNU SYNDROME. Identifiers: Orphanet 686488, MedGen C5935628, MONDO:0971172, OMIM 620851.

Submission:

Institute for Human Genetics, University Hospital Essen
Classification: Uncertain significance for Neurodevelopmental disorder with hypotonia, brain anomalies, distinctive facies, and absent language. Last evaluated: 2005-03-05. Review status: criteria provided, single submitter. Criteria: ACMG Guidelines, 2015. Collection method: clinical testing. Allele origin: de novo. Affected: yes.
Comment: PM2_supp, PS2

NR_003137.3(RNU4-2):n.45_46insT

Genes: RNU4-2 (RNA, U4 small nuclear 2; minus strand), SIRT4 (sirtuin 4; plus strand). Cytogenetic location: 12q24.23.
Variant type: Insertion.
Molecular consequence: non-coding transcript variant (on NR_003137.3).
Genome position: GRCh38 VCF-style: chr12-120291858-C-CA. GRCh37 (hg19) VCF-style: chr12-120729661-C-CA.
Identifiers: ClinVar variation 3766419 (VCV003766419.1).
Genomic context (GRCh38, chr12:120,291,858, plus strand): 5'-CTATATTTCAAGTCGTCATGGCGGGGTATTGGGAAAAGTTTTCAATTAGCAATAATCGCG[C>CA]CTCGGATAAACCTCATTGGCTACGATACTGCCACTGCGCAAAGCTGGAAAGGTTCTGTTC-3'